The following is an entry in ClinVar:

NM_015973.5(GAL):c.311C>T (p.Ala104Val)

Gene: GAL (galanin and GMAP prepropeptide; plus strand). Cytogenetic location: 11q13.2.
Variant type: single nucleotide variant.
Coding change: c.311C>T on transcript NM_015973.5 (MANE Select); coding-DNA position 311, C replaced by T.
Protein change: p.Ala104Val; replaces alanine 104 with valine.
Molecular consequence: missense variant.
Genome position (GRCh38, 1-based): chr11:68,690,926, C>T. VCF-style: chr11-68690926-C-T. GRCh37 (hg19) VCF-style: chr11-68458394-C-T.
Other names: short protein forms A104V.
Identifiers: ClinVar variation 851392 (VCV000851392.8), dbSNP rs1186237607, ClinGen allele CA381627837.

ClinVar aggregate classification (germline): Uncertain significance (1 of 4 stars; one submission).

Conditions:
Familial temporal lobe epilepsy 8. Identifiers: Orphanet 101046, MedGen C4225318, MONDO:0014650, OMIM 616461.

Submission:

Labcorp Genetics (formerly Invitae), Labcorp
Classification: Uncertain significance for Familial temporal lobe epilepsy 8. Last evaluated: 2019-12-27. Review status: criteria provided, single submitter. Criteria: Invitae Variant Classification Sherloc (09022015). Collection method: clinical testing. Allele origin: germline.
Comment: In summary, the available evidence is currently insufficient to determine the role of this variant in disease. Therefore, it has been classified as a Variant of Uncertain Significance. Algorithms developed to predict the effect of missense changes on protein structure and function output the following: SIFT: "Not Available"; PolyPhen-2: "Benign"; Align-GVGD: "Not Available". The valine amino acid residue is found in multiple mammalian species, suggesting that this missense change does not adversely affect protein function. These predictions have not been confirmed by published functional studies and their clinical significance is uncertain. This variant is not present in population databases (ExAC no frequency). This variant has not been reported in the literature in individuals with GAL-related conditions. This sequence change replaces alanine with valine at codon 104 of the GAL protein (p.Ala104Val). The alanine residue is highly conserved and there is a small physicochemical difference between alanine and valine.